The following is an entry in ClinVar:

NM_001375524.1(TRRAP):c.9780G>A (p.Ala3260=)

Gene: TRRAP (transformation/transcription domain associated protein; plus strand). Cytogenetic location: 7q22.1.
Variant type: single nucleotide variant.
Coding change: c.9780G>A on transcript NM_001375524.1 (MANE Select); coding-DNA position 9780, G replaced by A.
Protein change: p.Ala3260=; no amino-acid change (alanine 3260 retained).
Molecular consequence: synonymous variant.
Genome position (GRCh38, 1-based): chr7:98,992,160, G>A. VCF-style: chr7-98992160-G-A. GRCh37 (hg19) VCF-style: chr7-98589783-G-A.
Other names: c.9705G>A (NM_003496.3); c.9792G>A, p.Ala3264= (NM_001244580.2); c.9705G>A, p.Ala3235= (NM_003496.4).
Identifiers: ClinVar variation 2041898 (VCV002041898.30), dbSNP rs150202691, ClinGen allele CA4361807.

ClinVar aggregate classification (germline): Benign/Likely benign. Review status: criteria provided, multiple submitters, no conflicts (2 of 4 stars). 4 submissions from 4 submitters: Benign (2); Likely benign (1). 1 of the submissions does not count toward it. Last evaluated 2025-11-28.

Conditions:
TRRAP-related disorder. Also called: TRRAP-related condition.

Allele frequency attached by ClinVar (database versions not stated): gnomAD exomes 0.00008; 1000 Genomes Project 30x 0.00016; ExAC 0.00019; 1000 Genomes Project 0.00020; ESP Exome Variant Server 0.00038; gnomAD 0.00045.
gnomAD v4.1: 192 of 1,614,172 alleles (0.012%); highest among the groups gnomAD compares: African/African-American, 0.18%; no homozygotes.

Submissions (4):

Labcorp Genetics (formerly Invitae), Labcorp
Classification: Benign. Last evaluated: 2025-11-28. Review status: criteria provided, single submitter. Criteria: Invitae Variant Classification Sherloc (09022015). Collection method: clinical testing. Allele origin: germline.

Blueprint Genetics
Classification: Likely benign. Last evaluated: 2022-12-28. Review status: criteria provided, single submitter. Criteria: ACMG Guidelines, 2015. Collection method: clinical testing. Allele origin: germline.

CeGaT Center for Human Genetics Tuebingen
Classification: Benign. Last evaluated: 2022-05-01. Review status: criteria provided, single submitter. Criteria: CeGaT Center For Human Genetics Tuebingen Variant Classification Criteria Version 2. Collection method: clinical testing. Allele origin: germline. Affected: yes. Observed: 2 variant alleles.
Comment: TRRAP: BS1, BS2

PreventionGenetics, part of Exact Sciences
Classification: Likely benign for TRRAP-related condition. Last evaluated: 2019-11-26. Review status: no assertion criteria provided. Collection method: clinical testing. Allele origin: germline. Not counted in ClinVar's aggregate classification.
Comment: This variant is classified as likely benign based on ACMG/AMP sequence variant interpretation guidelines (Richards et al. 2015 PMID: 25741868, with internal and published modifications).